The following is an entry in ClinVar:

NM_206937.2(LIG4):c.2486T>G (p.Leu829Arg)

Gene: LIG4 (DNA ligase 4; minus strand). Cytogenetic location: 13q33.3.
Variant type: single nucleotide variant.
Coding change: c.2486T>G on transcript NM_206937.2 (MANE Select); coding-DNA position 2486, T replaced by G.
Protein change: p.Leu829Arg; replaces leucine 829 with arginine.
Molecular consequence: missense variant.
Genome position (GRCh38, 1-based): chr13:108,208,783, A>C on the plus strand (T>G on the coding strand, the complement: LIG4 is on the minus strand). VCF-style: chr13-108208783-A-C. GRCh37 (hg19) VCF-style: chr13-108861131-A-C.
Other names: c.2486T>G, p.Leu829Arg (NM_001098268.2, NM_001352598.2, NM_001352599.2 and 6 more transcripts); c.2285T>G, p.Leu762Arg (NM_001330595.2); c.2522T>G, p.Leu841Arg (NM_001352604.2); short protein forms L829R, L841R, L762R.
Identifiers: ClinVar variation 581852 (VCV000581852.7), dbSNP rs146597721, ClinGen allele CA7043481.
Genomic context (GRCh38, chr13:108,208,783, plus strand): 5'-CCATGAAACCGAAGCTCCAAGGCTTTAATAGCTAACCTTGTCCCCTCATTTTTGGTACTC[A>C]GGTCATTAATAACAGCATACGAGTCCAAATAAACGGTGTGGCGTCGAAACATACTGAGAG-3'
Protein context (NP_996820.1, residues 819-839): YLDSYAVIND[Leu829Arg]STKNEGTRLA

ClinVar aggregate classification (germline): Uncertain significance (1 of 4 stars; one submission).

Conditions:
DNA ligase IV deficiency. Identifiers: Orphanet 99812, MedGen C1847827, MONDO:0011686, OMIM 606593.

Allele frequency attached by ClinVar (database versions not stated): ESP Exome Variant Server 0.00015; TOPMed 0.00027.

Submission:

Labcorp Genetics (formerly Invitae), Labcorp
Classification: Uncertain significance for DNA ligase IV deficiency. Last evaluated: 2022-09-14. Review status: criteria provided, single submitter. Criteria: Invitae Variant Classification Sherloc (09022015). Collection method: clinical testing. Allele origin: germline.
Comment: This sequence change replaces leucine, which is neutral and non-polar, with arginine, which is basic and polar, at codon 829 of the LIG4 protein (p.Leu829Arg). This variant is present in population databases (rs146597721, gnomAD 0.03%). This variant has not been reported in the literature in individuals affected with LIG4-related conditions. ClinVar contains an entry for this variant (Variation ID: 581852). Algorithms developed to predict the effect of missense changes on protein structure and function (SIFT, PolyPhen-2, Align-GVGD) all suggest that this variant is likely to be tolerated. In summary, the available evidence is currently insufficient to determine the role of this variant in disease. Therefore, it has been classified as a Variant of Uncertain Significance.